The following is an entry in ClinVar:

ClinVar aggregate classification (germline): Conflicting classifications of pathogenicity. Review status: criteria provided, conflicting classifications (1 of 4 stars). 5 submissions from 5 submitters: Likely pathogenic (1); Uncertain significance (3). 1 of the submissions does not count toward it. Last evaluated 2024-11-21.

Conditions:
Desmin-related myofibrillar myopathy (MFM1). Also called: Desminopathy; Desmin related myopathy (former name); Desmin storage myopathy (former name); MYOFIBRILLAR MYOPATHY WITH ARRHYTHMOGENIC RIGHT VENTRICULAR CARDIOMYOPATHY; DESMIN-RELATED MYOPATHY WITH ARRHYTHMOGENIC RIGHT VENTRICULAR CARDIOMYOPATHY; Myofibrillar myopathy 1. Identifiers: Orphanet 363543, Orphanet 98909, MedGen C1832370, MONDO:0011076, OMIM 601419.

Submissions (5):

Labcorp Genetics (formerly Invitae), Labcorp
Classification: Uncertain significance for Desmin-related myofibrillar myopathy. Last evaluated: 2024-11-21. Review status: criteria provided, single submitter. Criteria: Invitae Variant Classification Sherloc (09022015). Collection method: clinical testing. Allele origin: germline.
Comment: This sequence change replaces threonine, which is neutral and polar, with isoleucine, which is neutral and non-polar, at codon 453 of the DES protein (p.Thr453Ile). This variant is not present in population databases (gnomAD no frequency). This missense change has been observed in individual(s) with clinical features of DES-related conditions (PMID: 16376610, 19181099). ClinVar contains an entry for this variant (Variation ID: 66401). Invitae Evidence Modeling of protein sequence and biophysical properties (such as structural, functional, and spatial information, amino acid conservation, physicochemical variation, residue mobility, and thermodynamic stability) has been performed for this missense variant. However, the output from this modeling did not meet the statistical confidence thresholds required to predict the impact of this variant on DES protein function. Experimental studies have shown that this missense change affects DES function (PMID: 27733623). In summary, the available evidence is currently insufficient to determine the role of this variant in disease. Therefore, it has been classified as a Variant of Uncertain Significance.

Revvity Omics, Revvity
Classification: Likely pathogenic. Last evaluated: 2023-12-20. Review status: criteria provided, single submitter. Criteria: ACMG Guidelines, 2015. Collection method: clinical testing. Allele origin: germline.

GeneDx
Classification: Uncertain significance. Last evaluated: 2023-10-19. Review status: criteria provided, single submitter. Criteria: GeneDx Variant Classification Process June 2021. Collection method: clinical testing. Allele origin: germline. Affected: yes.
Comment: Not observed at significant frequency in large population cohorts (gnomAD); In silico analysis supports that this missense variant has a deleterious effect on protein structure/function; Published functional studies suggest a damaging effect through altered binding properties with nebulette protein (PMID: 27733623); This variant is associated with the following publications: (PMID: 21262226, 23615443, 22215463, 19181099, 26807690, 27733623, 16376610)

Eurofins Ntd Llc (ga)
Classification: Uncertain significance. Last evaluated: 2016-02-01. Review status: criteria provided, single submitter. Criteria: EGL Classification Definitions 2015. Collection method: clinical testing. Allele origin: germline. Observed: 1 variant allele, 1 heterozygote.

Epithelial Biology;  Institute of Medical Biology, Singapore
No classification provided. Review status: no classification provided. Collection method: not provided. Allele origin: not provided. Not counted in ClinVar's aggregate classification.

Literature cited by the submitters: PubMed 16376610 (cited by Labcorp Genetics (formerly Invitae), Labcorp); PubMed 19181099 (cited by Labcorp Genetics (formerly Invitae), Labcorp); PubMed 27733623 (cited by Labcorp Genetics (formerly Invitae), Labcorp).

NM_001927.4(DES):c.1358C>T (p.Thr453Ile)

Gene: DES (desmin; plus strand). Cytogenetic location: 2q35.
Variant type: single nucleotide variant.
Coding change: c.1358C>T on transcript NM_001927.4 (MANE Select); coding-DNA position 1358, C replaced by T.
Protein change: p.Thr453Ile; replaces threonine 453 with isoleucine.
Molecular consequence: missense variant.
Genome position (GRCh38, 1-based): chr2:219,425,732, C>T. VCF-style: chr2-219425732-C-T. GRCh37 (hg19) VCF-style: chr2-220290454-C-T.
Other names: c.1358C>T (LRG_380t1); short protein forms T453I.
Identifiers: ClinVar variation 66401 (VCV000066401.18), dbSNP rs267607488, ClinGen allele CA217040.